The following is an entry in ClinVar:

ClinVar aggregate classification (germline): Uncertain significance (1 of 4 stars; one submission).

Conditions:
Fanconi anemia (FA). Also called: Fanconi's anemia. Identifiers: Orphanet 84, MedGen C0015625, MeSH D005199, MONDO:0019391.

Submission:

Labcorp Genetics (formerly Invitae), Labcorp
Classification: Uncertain significance for Fanconi anemia. Last evaluated: 2024-10-24. Review status: criteria provided, single submitter. Criteria: Invitae Variant Classification Sherloc (09022015). Collection method: clinical testing. Allele origin: germline.
Comment: This sequence change falls in intron 28 of the FANCA gene. It does not directly change the encoded amino acid sequence of the FANCA protein. Information on the frequency of this variant in the gnomAD database is not available, as this variant may be reported differently in the database. This variant has not been reported in the literature in individuals affected with FANCA-related conditions. Experimental studies and prediction algorithms are not available or were not evaluated, and the effect of this variant on mRNA splicing is currently unknown. In summary, the available evidence is currently insufficient to determine the role of this variant in disease. Therefore, it has been classified as a Variant of Uncertain Significance.

NM_000135.4(FANCA):c.2779-16_2779-15delinsCG

Gene: FANCA (FA complementation group A; minus strand). Cytogenetic location: 16q24.3.
Variant type: Indel.
Coding change: c.2779-16_2779-15delinsCG on transcript NM_000135.4 (MANE Select); 16 bases into the intron before coding-DNA position 2779 through 15 bases into the intron before coding-DNA position 2779, TT replaced by CG.
Molecular consequence: intron variant.
Genome position (GRCh38, 1-based): chr16:89,762,037-89,762,038, AA replaced by CG on the plus strand (TT replaced by CG on the coding strand, the reverse complement: FANCA is on the minus strand). VCF-style: chr16-89762037-AA-CG. GRCh37 (hg19) VCF-style: chr16-89828445-AA-CG.
Other names: c.2779-16_2779-15delinsCG (NM_001286167.3).
Identifiers: ClinVar variation 2989792 (VCV002989792.3), dbSNP rs2544168319, ClinGen allele CA2740095147.